The following is an entry in ClinVar:

ClinVar aggregate classification (germline): Uncertain significance (1 of 4 stars; one submission).

Conditions:
Multiple endocrine neoplasia, type 1 (MEN1). Also called: MEN I; WERMER SYNDROME; MEA I; Endocrine adenomatosis multiple; MEN 1. Identifiers: Orphanet 652, MedGen C0025267, MeSH D018761, MONDO:0007540, OMIM 131100.

Submission:

Labcorp Genetics (formerly Invitae), Labcorp
Classification: Uncertain significance for Multiple endocrine neoplasia, type 1. Last evaluated: 2020-01-23. Review status: criteria provided, single submitter. Criteria: Invitae Variant Classification Sherloc (09022015). Collection method: clinical testing. Allele origin: germline.
Comment: Algorithms developed to predict the effect of missense changes on protein structure and function are either unavailable or do not agree on the potential impact of this missense change (SIFT: "Deleterious"; PolyPhen-2: "Probably Damaging"; Align-GVGD: "Class C0"). This variant has not been reported in the literature in individuals with MEN1-related conditions. This variant is not present in population databases (ExAC no frequency). This sequence change replaces serine with proline at codon 122 of the MEN1 protein (p.Ser122Pro). The serine residue is highly conserved and there is a moderate physicochemical difference between serine and proline. In summary, the available evidence is currently insufficient to determine the role of this variant in disease. Therefore, it has been classified as a Variant of Uncertain Significance.

NM_001370259.2(MEN1):c.364T>C (p.Ser122Pro)

Gene: MEN1 (menin 1; minus strand). Cytogenetic location: 11q13.1.
Variant type: single nucleotide variant.
Coding change: c.364T>C on transcript NM_001370259.2 (MANE Select); coding-DNA position 364, T replaced by C.
Protein change: p.Ser122Pro; replaces serine 122 with proline.
Molecular consequence: missense variant.
Genome position (GRCh38, 1-based): chr11:64,809,746, A>G on the plus strand (T>C on the coding strand, the complement: MEN1 is on the minus strand). VCF-style: chr11-64809746-A-G. GRCh37 (hg19) VCF-style: chr11-64577218-A-G.
Other names: c.364T>C, p.Ser122Pro (NM_001370261.2, NM_001370262.2, NM_001370263.2 and 9 more transcripts); short protein forms S122P.
Identifiers: ClinVar variation 863478 (VCV000863478.9), dbSNP rs1941983276, ClinGen allele CA381187325.